The following is an entry in ClinVar:

ClinVar aggregate classification (germline): Conflicting classifications of pathogenicity. Review status: criteria provided, conflicting classifications (1 of 4 stars). 10 submissions from 10 submitters: Uncertain significance (1); Benign (3); Likely benign (5). 1 of the submissions does not count toward it. Last evaluated 2026-01-14.

Conditions:
MYL3-related disorder. Also called: MYL3-related condition.
Hypertrophic cardiomyopathy 8. Also called: CARDIOMYOPATHY, HYPERTROPHIC, MID-LEFT VENTRICULAR CHAMBER TYPE, 1; MYL3-Related Familial Hypertrophic Cardiomyopathy. Identifiers: MedGen C1837471, MONDO:0012111, OMIM 608751.
Cardiomyopathy (CMYO). Also called: Cardiomyopathies. Identifiers: Orphanet 167848, MedGen C0878544, MONDO:0004994, HP:0001638. Inheritance: Various modes of inheritance.
Hypertrophic cardiomyopathy. Also called: HYPERTROPHIC MYOCARDIOPATHY. Identifiers: Orphanet 217569, MedGen C0007194, MeSH D002312, MONDO:0005045, HP:0001639.
Cardiovascular phenotype. Identifiers: MedGen CN230736.

Allele frequency attached by ClinVar (database versions not stated): gnomAD 0.00002; TOPMed 0.00002; ExAC 0.00006; gnomAD exomes 0.00007 and 0.00014.
gnomAD v4.1: 207 of 1,614,028 alleles (0.013%); highest among the groups gnomAD compares: Non-Finnish European, 0.016%; no homozygotes.

Submissions (10):

Labcorp Genetics (formerly Invitae), Labcorp
Classification: Likely benign for Hypertrophic cardiomyopathy. Last evaluated: 2026-01-14. Review status: criteria provided, single submitter. Criteria: Invitae Variant Classification Sherloc (09022015). Collection method: clinical testing. Allele origin: germline.

Blueprint Genetics
Classification: Likely benign. Last evaluated: 2024-05-15. Review status: criteria provided, single submitter. Criteria: ACMG Guidelines, 2015. Collection method: clinical testing. Allele origin: germline.

All of Us Research Program, National Institutes of Health
Classification: Likely benign for Hypertrophic cardiomyopathy. Last evaluated: 2023-12-13. Review status: criteria provided, single submitter. Criteria: ACMG Guidelines, 2015. Collection method: clinical testing. Allele origin: germline. Inheritance: Autosomal dominant inheritance. Observed: 9 variant alleles, 9 heterozygotes.
Comment: This study involves interpretation of variants in research participants for the purpose of population health screening. Participant phenotype was not available at the time of variant classification. Additional details can be found in publication PMID: 35346344, PMCID: PMC8962531

Women's Health and Genetics/Laboratory Corporation of America, LabCorp
Classification: Benign. Last evaluated: 2023-11-13. Review status: criteria provided, single submitter. Criteria: LabCorp Variant Classification Summary - May 2015. Collection method: clinical testing. Allele origin: germline.

Ambry Genetics
Classification: Benign for Cardiovascular phenotype. Last evaluated: 2022-01-07. Review status: criteria provided, single submitter. Criteria: Ambry Variant Classification Scheme 2023. Collection method: clinical testing. Allele origin: germline.

CHEO Genetics Diagnostic Laboratory, Children's Hospital of Eastern Ontario
Classification: Likely benign for Cardiomyopathy. Last evaluated: 2021-11-10. Review status: criteria provided, single submitter. Criteria: ACMG Guidelines, 2015. Collection method: clinical testing. Allele origin: germline.

Color Diagnostics, LLC DBA Color Health
Classification: Likely benign for Cardiomyopathy. Last evaluated: 2018-10-16. Review status: criteria provided, single submitter. Criteria: ACMG Guidelines, 2015. Collection method: clinical testing. Allele origin: germline.

Illumina Laboratory Services, Illumina
Classification: Uncertain significance for Hypertrophic cardiomyopathy 8. Last evaluated: 2018-01-13. Review status: criteria provided, single submitter. Criteria: ICSL Variant Classification Criteria 13 December 2019. Collection method: clinical testing. Allele origin: germline.

GeneDx
Classification: Benign. Last evaluated: 2015-03-03. Review status: criteria provided, single submitter. Criteria: GeneDx Variant Classification Process June 2021. Collection method: clinical testing. Allele origin: germline. Affected: yes.

PreventionGenetics, part of Exact Sciences
Classification: Likely benign for MYL3-related condition. Last evaluated: 2019-12-19. Review status: no assertion criteria provided. Collection method: clinical testing. Allele origin: germline. Not counted in ClinVar's aggregate classification.
Comment: This variant is classified as likely benign based on ACMG/AMP sequence variant interpretation guidelines (Richards et al. 2015 PMID: 25741868, with internal and published modifications).

Literature cited by the submitters: PubMed 30706179 (cited by Ambry Genetics).

NM_000258.3(MYL3):c.219C>T (p.Tyr73=)

Gene: MYL3 (myosin light chain 3; minus strand). Cytogenetic location: 3p21.31.
Variant type: single nucleotide variant.
Coding change: c.219C>T on transcript NM_000258.3 (MANE Select); coding-DNA position 219, C replaced by T.
Protein change: p.Tyr73=; no amino-acid change (tyrosine 73 retained).
Molecular consequence: synonymous variant.
Genome position (GRCh38, 1-based): chr3:46,860,764, G>A on the plus strand (C>T on the coding strand, the complement: MYL3 is on the minus strand). VCF-style: chr3-46860764-G-A. GRCh37 (hg19) VCF-style: chr3-46902254-G-A.
Identifiers: ClinVar variation 345570 (VCV000345570.23), dbSNP rs780500137, ClinGen allele CA043130.